The following is an entry in ClinVar:

NM_022051.3(EGLN1):c.23C>T (p.Pro8Leu)

Gene: EGLN1 (egl-9 family hypoxia inducible factor 1; minus strand). Cytogenetic location: 1q42.2.
Variant type: single nucleotide variant.
Coding change: c.23C>T on transcript NM_022051.3 (MANE Select); coding-DNA position 23, C replaced by T.
Protein change: p.Pro8Leu; replaces proline 8 with leucine.
Molecular consequence: missense variant.
Genome position (GRCh38, 1-based): chr1:231,421,866, G>A on the plus strand (C>T on the coding strand, the complement: EGLN1 is on the minus strand). VCF-style: chr1-231421866-G-A. GRCh37 (hg19) VCF-style: chr1-231557612-G-A.
Other names: c.23C>T, p.Pro8Leu (NM_001377260.1, NM_001377261.1); short protein forms P8L.
Identifiers: ClinVar variation 1790709 (VCV001790709.2), dbSNP rs1229888461, ClinGen allele CA345239492.

ClinVar aggregate classification (germline): Uncertain significance (1 of 4 stars; one submission).

Allele frequency attached by ClinVar (database versions not stated): gnomAD exomes below 0.00001.
gnomAD v4.1: 1 of 1,494,874 alleles (0.000067%); highest among the groups gnomAD compares: Non-Finnish European, 0.000088%; no homozygotes.

Submission:

Ambry Genetics
Classification: Uncertain significance. Last evaluated: 2022-01-05. Review status: criteria provided, single submitter. Criteria: Ambry Variant Classification Scheme 2023. Collection method: clinical testing. Allele origin: germline.
Comment: The p.P8L variant (also known as c.23C>T), located in coding exon 1 of the EGLN1 gene, results from a C to T substitution at nucleotide position 23. The proline at codon 8 is replaced by leucine, an amino acid with similar properties. This amino acid position is conserved. In addition, this alteration is predicted to be tolerated by in silico analysis. Since supporting evidence is limited at this time, the clinical significance of this alteration remains unclear.